The following is an entry in ClinVar:

NM_182915.3(STEAP3):c.575C>T (p.Ala192Val)

Genes: STEAP3 (STEAP3 metalloreductase; plus strand), STEAP3-AS1 (STEAP3 antisense RNA 1; minus strand). Cytogenetic location: 2q14.2.
Variant type: single nucleotide variant.
Coding change: c.575C>T on transcript NM_182915.3 (MANE Select); coding-DNA position 575, C replaced by T.
Protein change: p.Ala192Val; replaces alanine 192 with valine.
Molecular consequence: missense variant.
Genome position (GRCh38, 1-based): chr2:119,247,731, C>T. VCF-style: chr2-119247731-C-T. GRCh37 (hg19) VCF-style: chr2-120005307-C-T.
Other names: c.545C>T, p.Ala182Val (NM_138637.3, NM_001008410.2, NM_018234.3); short protein forms A182V, A192V.
Identifiers: ClinVar variation 2651298 (VCV002651298.24), dbSNP rs765399573, ClinGen allele CA1846640.
Genomic context (GRCh38, chr2:119,247,731, plus strand): 5'-TCCCGCAGGTGCCCATCTGCGGTGACCAGCCAGAAGCCAAGCGTGCTGTCTCGGAGATGG[C>T]GCTCGCCATGGGCTTCATGCCCGTGGACATGGGATCCCTGGCGTCAGCCTGGGAGGTGGA-3'
Protein context (NP_878919.2, residues 182-202): PEAKRAVSEM[Ala192Val]LAMGFMPVDM

ClinVar aggregate classification (germline): Likely benign (1 of 4 stars; one submission).

Allele frequency attached by ClinVar (database versions not stated): ExAC 0.00002.
gnomAD v4.1: 25 of 1,578,874 alleles (0.0016%); highest among the groups gnomAD compares: Middle Eastern, 0.017%; no homozygotes.

Submission:

CeGaT Center for Human Genetics Tuebingen
Classification: Likely benign. Last evaluated: 2023-07-01. Review status: criteria provided, single submitter. Criteria: CeGaT Center For Human Genetics Tuebingen Variant Classification Criteria Version 2. Collection method: clinical testing. Allele origin: germline. Affected: yes. Observed: 1 variant allele.
Comment: STEAP3: BP4